The following is an entry in ClinVar:

NM_005670.4(EPM2A):c.435C>A (p.Phe145Leu)

Gene: EPM2A (EPM2A glucan phosphatase, laforin; minus strand). Cytogenetic location: 6q24.3.
Variant type: single nucleotide variant.
Coding change: c.435C>A on transcript NM_005670.4 (MANE Select); coding-DNA position 435, C replaced by A.
Protein change: p.Phe145Leu; replaces phenylalanine 145 with leucine.
Molecular consequence: missense variant. On other transcripts: 5 prime UTR variant (2), non-coding transcript variant (1).
Genome position (GRCh38, 1-based): chr6:145,686,163, G>T on the plus strand (C>A on the coding strand, the complement: EPM2A is on the minus strand). VCF-style: chr6-145686163-G-T. GRCh37 (hg19) VCF-style: chr6-146007299-G-T.
Other names: c.435C>A, p.Phe145Leu (NM_001018041.2, NM_001360057.2, NM_001368130.1); c.21C>A, p.Phe7Leu (NM_001360064.2, NM_001360071.2, NM_001368131.1); c.-189C>A (NM_001368129.2, NM_001368132.1); short protein forms F145L, F7L.
Identifiers: ClinVar variation 373591 (VCV000373591.1), dbSNP rs962446151, ClinGen allele CA16042530.
Genomic context (GRCh38, chr6:145,686,163, plus strand): 5'-AATATAGCACTATTTTTACCTTGAATAATGCATGGCTTGGTGGCCTGCAATATTAAAATA[G>T]AAGTCTGTTGTGTGCTTCATTTCATTGGTGTGCCCAGTGGCCTCAATCCAGTGTCCTATT-3'
Protein context (NP_005661.1, residues 135-155): HTNEMKHTTD[Phe145Leu]YFNIAGHQAM

ClinVar aggregate classification (germline): Uncertain significance (1 of 4 stars; one submission).

Submission:

GeneDx
Classification: Uncertain significance. Last evaluated: 2016-11-28. Review status: criteria provided, single submitter. Criteria: GeneDx Variant Classification (06012015). Collection method: clinical testing. Allele origin: germline. Affected: yes.
Comment: A variant of uncertain significance has been identified in the EPM2A gene. The F145L variant has not been published as a pathogenic variant, nor has it been reported as a benign variant to our knowledge. It was not observed in approximately 6,500 individuals of European and African American ancestry in the NHLBI Exome Sequencing Project, indicating it is not a common benign variant in these populations. The F145L variant is a conservative amino acid substitution, which is not likely to impact secondary protein structure as these residues share similar properties. However, this substitution occurs at a position that is conserved across species, and in silico analysis predicts this variant is probably damaging to the protein structure/function. Therefore, based on the currently available information, it is unclear whether this variant is a pathogenic variant or a rare benign variant.